The following is an entry in ClinVar:

NM_015151.4(DIP2A):c.4593G>A (p.Val1531=)

Gene: DIP2A (DIP2 acetate--CoA ligase A; plus strand). Cytogenetic location: 21q22.3.
Variant type: single nucleotide variant.
Coding change: c.4593G>A on transcript NM_015151.4 (MANE Select); coding-DNA position 4593, G replaced by A.
Protein change: p.Val1531=; no amino-acid change (valine 1531 retained).
Molecular consequence: synonymous variant.
Genome position (GRCh38, 1-based): chr21:46,567,499, G>A. VCF-style: chr21-46567499-G-A. GRCh37 (hg19) VCF-style: chr21-47987412-G-A.
Other names: c.4581G>A, p.Val1527= (NM_001146116.2); c.4596G>A, p.Val1532= (NM_001353942.2); c.4593G>A, p.Val1531= (NM_001353943.2).
Identifiers: ClinVar variation 770818 (VCV000770818.12), dbSNP rs146953731, ClinGen allele CA10083216.
Genomic context (GRCh38, chr21:46,567,499, plus strand): 5'-GGACCTGGTGGCCCTGGTGACCAACGTGGTGCTGGAGGAGCACTACCTGGTCGTGGGAGT[G>A]GTGGTCATCGTGGACCCAGGGGTGATCCCTATCAACTCTCGGGGTGAGAAGCAGCGCATG-3'
Protein context (NP_055966.2, residues 1521-1541): VLEEHYLVVG[Val1531=]VVIVDPGVIP

ClinVar aggregate classification (germline): Benign. Review status: criteria provided, multiple submitters, no conflicts (2 of 4 stars). 3 submissions from 3 submitters: Benign (3). Last evaluated 2026-04-01.

Allele frequency attached by ClinVar (database versions not stated): gnomAD exomes 0.01007; ESP Exome Variant Server 0.01146; 1000 Genomes Project 30x 0.00453; 1000 Genomes Project 0.00459; gnomAD 0.00758; TOPMed 0.00885; ExAC 0.00970.
gnomAD v4.1: 19,429 of 1,613,942 alleles (1.2%); highest among the groups gnomAD compares: Middle Eastern, 2.1%; 145 homozygotes.

Submissions (3):

CeGaT Center for Human Genetics Tuebingen
Classification: Benign. Last evaluated: 2026-04-01. Review status: criteria provided, single submitter. Criteria: CeGaT Center For Human Genetics Tuebingen Variant Classification Criteria Version 2. Collection method: clinical testing. Allele origin: germline. Affected: yes. Observed: 5 variant alleles.
Comment: DIP2A: BP4, BP7, BS1, BS2

Labcorp Genetics (formerly Invitae), Labcorp
Classification: Benign. Last evaluated: 2018-07-31. Review status: criteria provided, single submitter. Criteria: Invitae Variant Classification Sherloc (09022015). Collection method: clinical testing. Allele origin: germline.

Breakthrough Genomics
Classification: Benign. Review status: criteria provided, single submitter. Criteria: ACMG Guidelines, 2015. Collection method: not provided. Allele origin: germline. Inheritance: Unknown mechanism. Affected: yes.